The following is an entry in ClinVar:

NM_000140.5(FECH):c.854A>G (p.Gln285Arg)

Gene: FECH (ferrochelatase; minus strand). Cytogenetic location: 18q21.31.
Variant type: single nucleotide variant.
Coding change: c.854A>G on transcript NM_000140.5 (MANE Select); coding-DNA position 854, A replaced by G.
Protein change: p.Gln285Arg; replaces glutamine 285 with arginine.
Molecular consequence: missense variant.
Genome position (GRCh38, 1-based): chr18:57,554,903, T>C on the plus strand (A>G on the coding strand, the complement: FECH is on the minus strand). VCF-style: chr18-57554903-T-C. GRCh37 (hg19) VCF-style: chr18-55222135-T-C.
Other names: c.872A>G, p.Gln291Arg (NM_001012515.4); c.755A>G, p.Gln252Arg (NM_001371094.1); c.638A>G, p.Gln213Arg (NM_001371095.1); c.854A>G, p.Gln285Arg (NM_001374778.1); short protein forms Q291R, Q285R, Q213R, Q252R.
Identifiers: ClinVar variation 327428 (VCV000327428.7), dbSNP rs370708663, ClinGen allele CA8973074.
Genomic context (GRCh38, chr18:57,554,903, plus strand): 5'-ACCTTGGATTGCCACACCAGTCGGTAGGGGTTGCAGTACTCCAGCCTTTCCATGACTTTT[T>C]GGACAGTGGCGCTTACCTCCTGAGGATATGGGTCGCCTCTGTTGACCACCTGCAGCAGAG-3'
Protein context (NP_000131.2, residues 275-295): PYPQEVSATV[Gln285Arg]KVMERLEYCN

ClinVar aggregate classification (germline): Pathogenic/Likely pathogenic. Review status: criteria provided, multiple submitters, no conflicts (2 of 4 stars). 2 submissions from 2 submitters: Pathogenic (1); Likely pathogenic (1). Last evaluated 2022-01-01.

Conditions:
Protoporphyria, erythropoietic, 1 (EPP1). Also called: FERROCHELATASE DEFICIENCY; HEME SYNTHETASE DEFICIENCY; Erythropoietic Protoporphyria, Autosomal Recessive. Identifiers: Orphanet 79278, MedGen C4692546, MONDO:0008319, OMIM 177000.

Allele frequency attached by ClinVar (database versions not stated): ExAC 0.00001; gnomAD exomes 0.00001 and 0.00002; ESP Exome Variant Server 0.00008.
gnomAD v4.1: 33 of 1,614,194 alleles (0.002%); highest among the groups gnomAD compares: Non-Finnish European, 0.0026%; no homozygotes.

Submissions (2):

Provincial Medical Genetics Program of British Columbia, University of British Columbia
Classification: Pathogenic for Protoporphyria, erythropoietic, 1. Last evaluated: 2022-01-01. Review status: criteria provided, single submitter. Criteria: ACMG Guidelines, 2015. Collection method: clinical testing. Allele origin: paternal. Affected: yes.

Illumina Laboratory Services, Illumina
Classification: Likely pathogenic for Protoporphyria, erythropoietic, 1. Last evaluated: 2017-04-27. Review status: criteria provided, single submitter. Criteria: ICSL Variant Classification Criteria 09 May 2019. Collection method: clinical testing. Allele origin: germline.
Comment: The FECH c.854A>G (p.Gln285Arg) variant has been reported in two studies in which it was found in three individuals from two families with erythropoietic protoporphyria (Holme et al. 2009; Mendez et al. 2009). The two related affected individuals are compound heterozygotes for the p.Gln285Arg variant and another missense variant and also carry the well-known hypomorphic FECH IVS3-48T>C variant on one allele. The third individual is homozygous for the p.Gln285Arg variant. The p.Gln285Arg variant was absent from 100 evaluated control individuals and is reported at a frequency of 0.00012 in the European American population of the Exome Sequencing Project, but this frequency is based on one allele only in a region of good sequence coverage suggesting the variant is rare. Functional studies in prokaryotic cells indicate the p.Gln285Arg variant resulted in reduced protein activity of <1% of wild type (Holme et al. 2009; Mendez et al. 2009). Based on the collective evidence, the p.Gln285Arg variant is classified as likely pathogenic for erythropoietic protoporphyria. This variant was observed by ICSL as part of a predisposition screen in an ostensibly healthy population.

Literature cited by the submitters: PubMed 18787536 (cited by Illumina Laboratory Services, Illumina); PubMed 19298273 (cited by Illumina Laboratory Services, Illumina).